The following is an entry in ClinVar:

ClinVar aggregate classification (germline): Likely pathogenic (1 of 4 stars; one submission).

Conditions:
Bruck syndrome 2 (BRKS2). Also called: OSTEOGENESIS IMPERFECTA WITH CONGENITAL JOINT CONTRACTURES. Identifiers: Orphanet 2771, MedGen C1836602, MONDO:0012217, OMIM 609220.

Submission:

Centre for Mendelian Genomics, University Medical Centre Ljubljana
Classification: Likely pathogenic for Bruck syndrome 2. Last evaluated: 2018-10-05. Review status: criteria provided, single submitter. Criteria: ACMG Guidelines, 2015. Collection method: clinical testing. Allele origin: unknown. Affected: yes.
Comment: This variant was classified as: Likely pathogenic. The following ACMG criteria were applied in classifying this variant: PVS1,PM2. This variant was detected in homozygous state.

NM_182943.3(PLOD2):c.351dup (p.Phe118fs)

Genes: PLOD2 (procollagen-lysine,2-oxoglutarate 5-dioxygenase 2; minus strand), LOC129389144 (MPRA-validated peak4856 silencer; plus strand). Cytogenetic location: 3q24.
Variant type: Duplication.
Coding change: c.351dup on transcript NM_182943.3 (MANE Select); coding-DNA position 351, one base duplicated (A; older notation c.351dupA).
Protein change: p.Phe118fs; shifts the reading frame from phenylalanine 118.
Molecular consequence: frameshift variant.
Genome position (GRCh38, 1-based): chr3:146,110,436, T duplicated on the plus strand (A on the coding strand, the reverse complement: PLOD2 is on the minus strand). VCF-style (leftmost placement, unchanged base first): chr3-146110435-A-AT. GRCh37 (hg19) VCF-style: chr3-145828222-A-AT.
Other names: c.351dup, p.Phe118fs (NM_000935.3); short protein forms F118fs.
Identifiers: ClinVar variation 930725 (VCV000930725.3), dbSNP rs1937608887, ClinGen allele CA1139658287.